The following is an entry in ClinVar:

NM_014915.3(ANKRD26):c.937G>C (p.Asp313His)

Gene: ANKRD26 (ankyrin repeat domain 26; minus strand). Cytogenetic location: 10p12.1.
Variant type: single nucleotide variant.
Coding change: c.937G>C on transcript NM_014915.3 (MANE Select); coding-DNA position 937, G replaced by C.
Protein change: p.Asp313His; replaces aspartic acid 313 with histidine.
Molecular consequence: missense variant.
Genome position (GRCh38, 1-based): chr10:27,077,478, C>G on the plus strand (G>C on the coding strand, the complement: ANKRD26 is on the minus strand). VCF-style: chr10-27077478-C-G. GRCh37 (hg19) VCF-style: chr10-27366407-C-G.
Other names: c.937G>C, p.Asp313His (NM_001256053.2); short protein forms D313H.
Identifiers: ClinVar variation 3627054 (VCV003627054.3).

ClinVar aggregate classification (germline): Uncertain significance. Review status: criteria provided, multiple submitters, no conflicts (2 of 4 stars). 2 submissions from 2 submitters: Uncertain significance (2). Last evaluated 2025-02-17.

Conditions:
Inborn genetic diseases. Identifiers: MedGen C0950123, MeSH D030342.

gnomAD v4.1: 3 of 1,613,934 alleles (0.00019%); highest among the groups gnomAD compares: Admixed American, 0.005%; no homozygotes.

Submissions (2):

Ambry Genetics
Classification: Uncertain significance for Inborn genetic diseases. Last evaluated: 2025-02-17. Review status: criteria provided, single submitter. Criteria: Ambry Variant Classification Scheme 2023. Collection method: clinical testing. Allele origin: germline.
Comment: The p.D313H variant (also known as c.937G>C), located in coding exon 9 of the ANKRD26 gene, results from a G to C substitution at nucleotide position 937. The aspartic acid at codon 313 is replaced by histidine, an amino acid with similar properties. This amino acid position is conserved. In addition, this alteration is predicted to be tolerated by in silico analysis. Based on the available evidence, the clinical significance of this variant remains unclear.

Labcorp Genetics (formerly Invitae), Labcorp
Classification: Uncertain significance. Last evaluated: 2024-11-02. Review status: criteria provided, single submitter. Criteria: Invitae Variant Classification Sherloc (09022015). Collection method: clinical testing. Allele origin: germline.
Comment: This sequence change replaces aspartic acid, which is acidic and polar, with histidine, which is basic and polar, at codon 313 of the ANKRD26 protein (p.Asp313His). This variant is present in population databases (rs61730102, gnomAD 0.01%). This variant has not been reported in the literature in individuals affected with ANKRD26-related conditions. An algorithm developed to predict the effect of missense changes on protein structure and function outputs the following: PolyPhen-2: "Benign". The histidine amino acid residue is found in multiple mammalian species, which suggests that this missense change does not adversely affect protein function. In summary, the available evidence is currently insufficient to determine the role of this variant in disease. Therefore, it has been classified as a Variant of Uncertain Significance.